The following is an entry in ClinVar:

NM_000368.5(TSC1):c.2994C>T (p.Asp998=)

Gene: TSC1 (TSC complex subunit 1; minus strand). Cytogenetic location: 9q34.13.
Variant type: single nucleotide variant.
Coding change: c.2994C>T on transcript NM_000368.5 (MANE Select); coding-DNA position 2994, C replaced by T.
Protein change: p.Asp998=; no amino-acid change (aspartic acid 998 retained).
Molecular consequence: synonymous variant.
Genome position (GRCh38, 1-based): chr9:132,896,736, G>A on the plus strand (C>T on the coding strand, the complement: TSC1 is on the minus strand). VCF-style: chr9-132896736-G-A. GRCh37 (hg19) VCF-style: chr9-135772123-G-A.
Other names: c.2991C>T, p.Asp997= (NM_001162426.2); c.2841C>T, p.Asp947= (NM_001162427.2); c.2631C>T, p.Asp877= (NM_001362177.2).
Identifiers: ClinVar variation 699743 (VCV000699743.22), dbSNP rs923543734, ClinGen allele CA200925907.

ClinVar aggregate classification (germline): Conflicting classifications of pathogenicity. Review status: criteria provided, conflicting classifications (1 of 4 stars). 8 submissions from 7 submitters: Uncertain significance (3); Benign (1); Likely benign (4). Last evaluated 2025-12-08.

Conditions:
Hereditary cancer-predisposing syndrome. Also called: Neoplastic Syndromes, Hereditary; Hereditary neoplastic syndrome; Hereditary Cancer Syndrome; Tumor predisposition. Identifiers: Orphanet 140162, MedGen C0027672, MeSH D009386, MONDO:0015356.
Tuberous sclerosis 1 (TSC1). Identifiers: Orphanet 805, MedGen C1854465, MONDO:0008612, OMIM 191100.
Tuberous sclerosis syndrome (TSC). Also called: Tuberous Sclerosis Complex; Tuberous sclerosis. Identifiers: Orphanet 805, MedGen C0041341, MONDO:0001734.
Isolated focal cortical dysplasia type II (FCORD2). Also called: CORTICAL DYSPLASIA OF TAYLOR; Focal cortical dysplasia type II. Identifiers: Orphanet 268994, MedGen C1846385, MONDO:0011818, OMIM 607341, HP:0032051.

Allele frequency attached by ClinVar (database versions not stated): gnomAD exomes below 0.00001 and 0.00002; gnomAD 0.00001; TOPMed 0.00001.
gnomAD v4.1: 30 of 1,613,568 alleles (0.0019%); highest among the groups gnomAD compares: East Asian, 0.0022%; no homozygotes.

Submissions (8):

Labcorp Genetics (formerly Invitae), Labcorp
Classification: Likely benign for Tuberous sclerosis 1. Last evaluated: 2025-12-08. Review status: criteria provided, single submitter. Criteria: Invitae Variant Classification Sherloc (09022015). Collection method: clinical testing. Allele origin: germline.

Myriad Genetics, Inc.
Classification: Benign for Tuberous sclerosis 1. Last evaluated: 2025-04-29. Review status: criteria provided, single submitter. Criteria: Myriad Autosomal Dominant, Autosomal Recessive and X-Linked Classification Criteria (2023). Collection method: clinical testing. Allele origin: unknown.
Comment: This variant is considered benign. This variant is a silent/synonymous amino acid change and it is not expected to impact splicing.

Blueprint Genetics
Classification: Likely benign. Last evaluated: 2024-07-02. Review status: criteria provided, single submitter. Criteria: ACMG Guidelines, 2015. Collection method: clinical testing. Allele origin: germline.

All of Us Research Program, National Institutes of Health
Classification: Uncertain significance for Tuberous sclerosis syndrome. Last evaluated: 2023-02-24. Review status: criteria provided, single submitter. Criteria: ACMG Guidelines, 2015. Collection method: clinical testing. Allele origin: germline. Inheritance: Autosomal dominant inheritance. Observed: 2 variant alleles, 2 heterozygotes.
Comment: This variant is located in the TSC1 protein. To our knowledge, functional studies have not been reported for this variant. This variant has not been reported in individuals affected with TSC1-related disorders in the literature. This variant has been identified in 2/278588 chromosomes in the general population by the Genome Aggregation Database (gnomAD). The available evidence is insufficient to determine the role of this variant in disease conclusively. Therefore, this variant is classified as a Variant of Uncertain Significance.

This study involves interpretation of variants in research participants for the purpose of population health screening. Participant phenotype was not available at the time of variant classification. Additional details can be found in publication PMID: 35346344, PMCID: PMC8962531

Ambry Genetics
Classification: Likely benign for Hereditary cancer-predisposing syndrome. Last evaluated: 2022-01-06. Review status: criteria provided, single submitter. Criteria: Ambry Variant Classification Scheme 2023. Collection method: clinical testing. Allele origin: germline.

Genome-Nilou Lab
Classification: Likely benign for Tuberous sclerosis 1. Last evaluated: 2021-11-07. Review status: criteria provided, single submitter. Criteria: ACMG Guidelines, 2015. Collection method: clinical testing. Allele origin: germline. Affected: no.

Illumina Laboratory Services, Illumina
Classification: Uncertain significance for Tuberous sclerosis 1. Last evaluated: 2018-01-12. Review status: criteria provided, single submitter. Criteria: ICSL Variant Classification Criteria 13 December 2019. Collection method: clinical testing. Allele origin: germline.

Illumina Laboratory Services, Illumina
Classification: Uncertain significance for Isolated focal cortical dysplasia type II. Last evaluated: 2018-01-12. Review status: criteria provided, single submitter. Criteria: ICSL Variant Classification Criteria 13 December 2019. Collection method: clinical testing. Allele origin: germline.